The following is an entry in ClinVar:

ClinVar aggregate classification (germline): Benign/Likely benign. Review status: criteria provided, multiple submitters, no conflicts (2 of 4 stars). 6 submissions from 6 submitters: Benign (3); Likely benign (3). Last evaluated 2025-12-31.

Conditions:
Facial dysmorphism-immunodeficiency-livedo-short stature syndrome. Also called: Facial dysmorphism, immunodeficiency, livedo, and short stature; FILS syndrome. Identifiers: Orphanet 352712, MedGen C3554576, MONDO:0014058, OMIM 615139.
Intrauterine growth retardation, metaphyseal dysplasia, adrenal hypoplasia congenita, genital anomalies, and immunodeficiency. Also called: IMAGEI SYNDROME. Identifiers: MedGen C5193036, MONDO:0032684, OMIM 618336.
Colorectal cancer, susceptibility to, 12 (CRCS12). Also called: COLORECTAL CANCER, SUSCEPTIBILITY TO, ON CHROMOSOME 12q24. Identifiers: Orphanet 220460, MedGen C3554460, MONDO:0014038, OMIM 615083.
Hereditary cancer-predisposing syndrome. Also called: Neoplastic Syndromes, Hereditary; Tumor predisposition; Hereditary Cancer Syndrome; Hereditary neoplastic syndrome. Identifiers: Orphanet 140162, MedGen C0027672, MeSH D009386, MONDO:0015356.

Allele frequency attached by ClinVar (database versions not stated): 1000 Genomes Project 30x 0.00031; 1000 Genomes Project 0.00040.
gnomAD v4.1: 206 of 1,614,158 alleles (0.013%); highest among the groups gnomAD compares: South Asian, 0.22%; 6 homozygotes.

Submissions (6):

Labcorp Genetics (formerly Invitae), Labcorp
Classification: Likely benign. Last evaluated: 2025-12-31. Review status: criteria provided, single submitter. Criteria: Invitae Variant Classification Sherloc (09022015). Collection method: clinical testing. Allele origin: germline.

Ambry Genetics
Classification: Benign for Hereditary cancer-predisposing syndrome. Last evaluated: 2024-06-25. Review status: criteria provided, single submitter. Criteria: Ambry Variant Classification Scheme 2023. Collection method: clinical testing. Allele origin: germline.

Sema4
Classification: Benign for Hereditary cancer-predisposing syndrome. Last evaluated: 2020-10-27. Review status: criteria provided, single submitter. Criteria: Sema4 Curation Guidelines. Collection method: curation. Allele origin: germline.

Department of Pathology and Laboratory Medicine, Sinai Health System
Classification: Likely benign for Colorectal cancer, susceptibility to, 12; Facial dysmorphism-immunodeficiency-livedo-short stature syndrome; Intrauterine growth retardation, metaphyseal dysplasia, adrenal hypoplasia congenita, genital anomalies, and immunodeficiency. Last evaluated: 2020-04-27. Review status: criteria provided, single submitter. Criteria: ACMG Guidelines, 2015. Collection method: clinical testing. Allele origin: germline. Affected: yes.

Quest Diagnostics Nichols Institute San Juan Capistrano
Classification: Benign. Last evaluated: 2019-01-08. Review status: criteria provided, single submitter. Criteria: Quest Diagnostics criteria. Collection method: clinical testing. Allele origin: germline.

GeneDx
Classification: Likely benign. Last evaluated: 2018-02-21. Review status: criteria provided, single submitter. Criteria: GeneDx Variant Classification (06012015). Collection method: clinical testing. Allele origin: germline. Affected: yes.
Comment: This variant is considered likely benign or benign based on one or more of the following criteria: it is a conservative change, it occurs at a poorly conserved position in the protein, it is predicted to be benign by multiple in silico algorithms, and/or has population frequency not consistent with disease.

NM_006231.4(POLE):c.718G>C (p.Val240Leu)

Gene: POLE (DNA polymerase epsilon, catalytic subunit; minus strand). Cytogenetic location: 12q24.33.
Variant type: single nucleotide variant.
Coding change: c.718G>C on transcript NM_006231.4 (MANE Select); coding-DNA position 718, G replaced by C.
Protein change: p.Val240Leu; replaces valine 240 with leucine.
Molecular consequence: missense variant.
Genome position (GRCh38, 1-based): chr12:132,677,580, C>G on the plus strand (G>C on the coding strand, the complement: POLE is on the minus strand). VCF-style: chr12-132677580-C-G. GRCh37 (hg19) VCF-style: chr12-133254166-C-G.
Other names: short protein forms V240L.
Identifiers: ClinVar variation 473823 (VCV000473823.17), dbSNP rs371882716, ClinGen allele CA6894228.